The following is an entry in ClinVar:

NM_003072.5(SMARCA4):c.68C>A (p.Ser23Tyr)

Gene: SMARCA4 (SWI/SNF related BAF chromatin remodeling complex subunit ATPase 4; plus strand). Cytogenetic location: 19p13.2.
Variant type: single nucleotide variant.
Coding change: c.68C>A on transcript NM_003072.5 (MANE Select); coding-DNA position 68, C replaced by A.
Protein change: p.Ser23Tyr; replaces serine 23 with tyrosine.
Molecular consequence: missense variant. On other transcripts: non-coding transcript variant (1).
Genome position (GRCh38, 1-based): chr19:10,984,219, C>A. VCF-style: chr19-10984219-C-A. GRCh37 (hg19) VCF-style: chr19-11094895-C-A.
Other names: c.68C>A, p.Ser23Tyr (NM_001128844.3, NM_001128845.2, NM_001128846.2 and 5 more transcripts); short protein forms S23Y.
Identifiers: ClinVar variation 484950 (VCV000484950.8), dbSNP rs1555750712, ClinGen allele CA404054057.

ClinVar aggregate classification (germline): Uncertain significance. Review status: criteria provided, multiple submitters, no conflicts (2 of 4 stars). 2 submissions from 2 submitters: Uncertain significance (2). Last evaluated 2022-11-14.

Conditions:
Rhabdoid tumor predisposition syndrome 2 (RTPS2). Identifiers: Orphanet 231108, Orphanet 69077, MedGen C2750074, MONDO:0013224, OMIM 613325.
Hereditary cancer-predisposing syndrome. Also called: Neoplastic Syndromes, Hereditary; Tumor predisposition; Hereditary Cancer Syndrome; Hereditary neoplastic syndrome. Identifiers: Orphanet 140162, MedGen C0027672, MeSH D009386, MONDO:0015356.

Submissions (2):

Labcorp Genetics (formerly Invitae), Labcorp
Classification: Uncertain significance for Rhabdoid tumor predisposition syndrome 2. Last evaluated: 2022-11-14. Review status: criteria provided, single submitter. Criteria: Invitae Variant Classification Sherloc (09022015). Collection method: clinical testing. Allele origin: germline.
Comment: This sequence change replaces serine, which is neutral and polar, with tyrosine, which is neutral and polar, at codon 23 of the SMARCA4 protein (p.Ser23Tyr). This variant is not present in population databases (gnomAD no frequency). This variant has not been reported in the literature in individuals affected with SMARCA4-related conditions. ClinVar contains an entry for this variant (Variation ID: 484950). Advanced modeling of protein sequence and biophysical properties (such as structural, functional, and spatial information, amino acid conservation, physicochemical variation, residue mobility, and thermodynamic stability) has been performed at Invitae for this missense variant, however the output from this modeling did not meet the statistical confidence thresholds required to predict the impact of this variant on SMARCA4 protein function. In summary, the available evidence is currently insufficient to determine the role of this variant in disease. Therefore, it has been classified as a Variant of Uncertain Significance.

Ambry Genetics
Classification: Uncertain significance for Hereditary cancer-predisposing syndrome. Last evaluated: 2017-02-16. Review status: criteria provided, single submitter. Criteria: Ambry Variant Classification Scheme 2023. Collection method: clinical testing. Allele origin: germline.
Comment: The p.S23Y variant (also known as c.68C>A), located in coding exon 1 of the SMARCA4 gene, results from a C to A substitution at nucleotide position 68. The serine at codon 23 is replaced by tyrosine, an amino acid with dissimilar properties. This amino acid position is highly conserved in available vertebrate species. In addition, this alteration is predicted to be deleterious by in silico analysis. Since supporting evidence is limited at this time, the clinical significance of this alteration remains unclear.